The following is an entry in ClinVar:

ClinVar aggregate classification (germline): Likely benign (1 of 4 stars; one submission).

Allele frequency attached by ClinVar (database versions not stated): TOPMed 0.00005; gnomAD exomes 0.00006; ExAC 0.00007; gnomAD 0.00007; ESP Exome Variant Server 0.00023.
gnomAD v4.1: 97 of 1,610,116 alleles (0.006%); highest among the groups gnomAD compares: African/African-American, 0.015%; no homozygotes.

Submission:

CeGaT Center for Human Genetics Tuebingen
Classification: Likely benign. Last evaluated: 2022-12-01. Review status: criteria provided, single submitter. Criteria: CeGaT Center For Human Genetics Tuebingen Variant Classification Criteria Version 2. Collection method: clinical testing. Allele origin: germline. Affected: yes. Observed: 1 variant allele.
Comment: GMDS: BP4, BP7

NM_001500.4(GMDS):c.804G>A (p.Pro268=)

Gene: GMDS (GDP-mannose 4,6-dehydratase; minus strand). Cytogenetic location: 6p25.3.
Variant type: single nucleotide variant.
Coding change: c.804G>A on transcript NM_001500.4 (MANE Select); coding-DNA position 804, G replaced by A.
Protein change: p.Pro268=; no amino-acid change (proline 268 retained).
Molecular consequence: synonymous variant.
Genome position (GRCh38, 1-based): chr6:1,742,554, C>T on the plus strand (G>A on the coding strand, the complement: GMDS is on the minus strand). VCF-style: chr6-1742554-C-T. GRCh37 (hg19) VCF-style: chr6-1742788-C-T.
Other names: c.714G>A, p.Pro238= (NM_001253846.2).
Identifiers: ClinVar variation 2656175 (VCV002656175.24), dbSNP rs143104834, ClinGen allele CA3615086.